The following is an entry in ClinVar:

NM_002968.3(SALL1):c.463_475delinsG (p.Ser155_Ser159delinsGly)

Gene: SALL1 (spalt like transcription factor 1; minus strand). Cytogenetic location: 16q12.1.
Variant type: Indel.
Coding change: c.463_475delinsG on transcript NM_002968.3 (MANE Select); coding-DNA positions 463 to 475, AGCAGCAGCAGCA replaced by G.
Protein change: p.Ser155_Ser159delinsGly.
Molecular consequence: inframe indel.
Genome position (GRCh38, 1-based): chr16:51,141,747-51,141,759, TGCTGCTGCTGCT replaced by C on the plus strand (AGCAGCAGCAGCA replaced by G on the coding strand, the reverse complement: SALL1 is on the minus strand). VCF-style: chr16-51141747-TGCTGCTGCTGCT-C. GRCh37 (hg19) VCF-style: chr16-51175658-TGCTGCTGCTGCT-C.
Other names: c.172_184delinsG, p.Ser58_Ser62delinsGly (NM_001127892.2).
Identifiers: ClinVar variation 1311953 (VCV001311953.2), dbSNP rs2143451190, ClinGen allele CA2573054239.
Genomic context (GRCh38, chr16:51,141,747, plus strand): 5'-GTTGAGGTAGAGAGGTTGTGATCGCTGAGGTACCTGTGGAGGAGCTGCCGCCGCCGCCGC[TGCTGCTGCTGCT>C]GCTGCTGCTGCTGCTTGGGGCGGTACTGCTGTGGCTGCCGCTGGAAGTGCCGCTGCCGCT-3'

ClinVar aggregate classification (germline): Uncertain significance (1 of 4 stars; one submission).

Submission:

GeneDx
Classification: Uncertain significance. Last evaluated: 2019-12-31. Review status: criteria provided, single submitter. Criteria: GeneDx Variant Classification Process June 2021. Collection method: clinical testing. Allele origin: germline. Affected: yes.
Comment: Not observed in large population cohorts (Lek et al., 2016); In-frame deletion of 5 amino acids and insertion of 1 incorrect amino acid in a repetitive region with no known function; Has not been previously published as pathogenic or benign to our knowledge